The following is an entry in ClinVar:

ClinVar aggregate classification (germline): Uncertain significance (1 of 4 stars; one submission).

Conditions:
Fanconi anemia (FA). Also called: Fanconi's anemia. Identifiers: Orphanet 84, MedGen C0015625, MeSH D005199, MONDO:0019391.

Submission:

Labcorp Genetics (formerly Invitae), Labcorp
Classification: Uncertain significance for Fanconi anemia. Last evaluated: 2025-05-05. Review status: criteria provided, single submitter. Criteria: Invitae Variant Classification Sherloc (09022015). Collection method: clinical testing. Allele origin: germline.
Comment: This sequence change replaces valine, which is neutral and non-polar, with alanine, which is neutral and non-polar, at codon 56 of the FANCB protein (p.Val56Ala). This variant is not present in population databases (gnomAD no frequency). This variant has not been reported in the literature in individuals affected with FANCB-related conditions. ClinVar contains an entry for this variant (Variation ID: 3698529). Invitae Evidence Modeling of protein sequence and biophysical properties (such as structural, functional, and spatial information, amino acid conservation, physicochemical variation, residue mobility, and thermodynamic stability) indicates that this missense variant is not expected to disrupt FANCB protein function with a negative predictive value of 80%. In summary, the available evidence is currently insufficient to determine the role of this variant in disease. Therefore, it has been classified as a Variant of Uncertain Significance.

NM_001018113.3(FANCB):c.167T>C (p.Val56Ala)

Gene: FANCB (FA complementation group B; minus strand). Cytogenetic location: Xp22.2.
Variant type: single nucleotide variant.
Coding change: c.167T>C on transcript NM_001018113.3 (MANE Select); coding-DNA position 167, T replaced by C.
Protein change: p.Val56Ala; replaces valine 56 with alanine.
Molecular consequence: missense variant. On other transcripts: non-coding transcript variant (1).
Genome position (GRCh38, 1-based): chrX:14,865,344, A>G on the plus strand (T>C on the coding strand, the complement: FANCB is on the minus strand). VCF-style: chrX-14865344-A-G. GRCh37 (hg19) VCF-style: chrX-14883466-A-G.
Other names: c.167T>C, p.Val56Ala (NM_001324162.2, NM_001410764.1, NM_152633.4); short protein forms V56A.
Identifiers: ClinVar variation 3698529 (VCV003698529.2).